The following is an entry in ClinVar:

NM_000525.4(KCNJ11):c.451G>A (p.Val151Met)

Gene: KCNJ11 (potassium inwardly rectifying channel subfamily J member 11; minus strand). Cytogenetic location: 11p15.1.
Variant type: single nucleotide variant.
Coding change: c.451G>A on transcript NM_000525.4 (MANE Select); coding-DNA position 451, G replaced by A.
Protein change: p.Val151Met; replaces valine 151 with methionine.
Molecular consequence: missense variant.
Genome position (GRCh38, 1-based): chr11:17,387,641, C>T on the plus strand (G>A on the coding strand, the complement: KCNJ11 is on the minus strand). VCF-style: chr11-17387641-C-T. GRCh37 (hg19) VCF-style: chr11-17409188-C-T.
Other names: c.190G>A, p.Val64Met (NM_001166290.2, NM_001377296.1, NM_001377297.1); short protein forms V151M, V64M.
Identifiers: ClinVar variation 877702 (VCV000877702.7), dbSNP rs529884745, ClinGen allele CA5902288.

ClinVar aggregate classification (germline): Conflicting classifications of pathogenicity. Review status: criteria provided, conflicting classifications (1 of 4 stars). 5 submissions from 3 submitters: Uncertain significance (3); Likely benign (2). Last evaluated 2024-11-26.

Conditions:
Hyperinsulinemic hypoglycemia, familial, 2. Also called: HYPERINSULINEMIC HYPOGLYCEMIA, PERSISTENT; HYPERINSULINISM, NEONATAL. Identifiers: Orphanet 276580, Orphanet 276603, MedGen C2931833, MONDO:0011153, OMIM 601820. Disease mechanism: loss of function.
Maturity-onset diabetes of the young type 13. Also called: MODY, TYPE 13. Identifiers: Orphanet 552, MedGen C4225365, MONDO:0014589, OMIM 616329.
Diabetes mellitus, transient neonatal, 3 (TNDM3). Identifiers: Orphanet 99886, MedGen C1864623, MONDO:0012522, OMIM 610582. Disease mechanism: loss of function.
Type 2 diabetes mellitus. Also called: Type II diabetes mellitus. Identifiers: MedGen C0011860, MeSH D003924, MONDO:0005148, OMIM 125853, HP:0005978.

Allele frequency attached by ClinVar (database versions not stated): gnomAD exomes 0.00001 and 0.00002; ExAC 0.00002; gnomAD 0.00006; TOPMed 0.00006; 1000 Genomes Project 0.00020; 1000 Genomes Project 30x 0.00031.

Submissions (5):

Women's Health and Genetics/Laboratory Corporation of America, LabCorp
Classification: Likely benign. Last evaluated: 2024-11-26. Review status: criteria provided, single submitter. Criteria: LabCorp Variant Classification Summary - May 2015. Collection method: clinical testing. Allele origin: germline.
Comment: Variant summary: KCNJ11 c.451G>A (p.Val151Met) results in a conservative amino acid change located in the Potassium channel, inwardly rectifying, transmembrane domain (IPR040445) of the encoded protein sequence. Three of five in-silico tools predict a benign effect of the variant on protein function. The variant allele was found at a frequency of 2e-05 in 1613916 control chromosomes (gnomAD v4). The observed variant frequency is approximately 16 fold of the estimated maximal expected allele frequency for a pathogenic variant in KCNJ11 causing Neonatal Diabetes Mellitus/Maturity Onset Diabetes Of The Young phenotype (1.3e-06). To our knowledge, no experimental evidence demonstrating this variant's impact on protein function has been reported. ClinVar contains an entry for this variant (Variation ID: 877702). Based on the evidence outlined above, the variant was classified as likely benign.

Illumina Laboratory Services, Illumina
Classification: Uncertain significance for Hyperinsulinemic hypoglycemia, familial, 2. Last evaluated: 2018-01-13. Review status: criteria provided, single submitter. Criteria: ICSL Variant Classification Criteria 13 December 2019. Collection method: clinical testing. Allele origin: germline.

Illumina Laboratory Services, Illumina
Classification: Likely benign for Diabetes mellitus, transient neonatal, 3. Last evaluated: 2018-01-13. Review status: criteria provided, single submitter. Criteria: ICSL Variant Classification Criteria 13 December 2019. Collection method: clinical testing. Allele origin: germline.
Comment: This variant was observed in the ICSL laboratory as part of a predisposition screen in an ostensibly healthy population. It had not been previously curated by ICSL or reported in the Human Gene Mutation Database (HGMD: prior to June 1st, 2018), and was therefore a candidate for classification through an automated scoring system. Utilizing variant allele frequency, disease prevalence and penetrance estimates, and inheritance mode, an automated score was calculated to assess if this variant is too frequent to cause the disease. Based on the score and internal cut-off values, a variant classified as likely benign is not then subjected to further curation. The score for this variant resulted in a classification of likely benign for this disease.

Illumina Laboratory Services, Illumina
Classification: Uncertain significance for Maturity-onset diabetes of the young type 13. Last evaluated: 2018-01-13. Review status: criteria provided, single submitter. Criteria: ICSL Variant Classification Criteria 13 December 2019. Collection method: clinical testing. Allele origin: germline.

Clinical Genomics, Uppaluri K&H Personalized Medicine Clinic
Classification: Uncertain significance for Type 2 diabetes mellitus. Review status: criteria provided, single submitter. Criteria: K & H Uppaluri Personalized Medicine Clinic Variant Classification & Assertion Criteria_Updated V.1. Collection method: research. Allele origin: somatic. Inheritance: Autosomal dominant inheritance.
Comment: Mutations in KCNJ11 gene can cause decreased production and secretion of insulin. This can lead to MODY which may be responsive to oral sulfonylureas. This variant has been studied in monogenic diabetes and obesity. However, investigations failed to show a functional significance of this variant (rs529884745) in MODY

Literature cited by the submitters: PubMed 29216354 (cited by Clinical Genomics, Uppaluri K&H Personalized Medicine Clinic).